The following is an entry in ClinVar:

NM_000815.5(GABRD):c.67A>G (p.Arg23Gly)

Gene: GABRD (gamma-aminobutyric acid type A receptor subunit delta; plus strand). Cytogenetic location: 1p36.33.
Variant type: single nucleotide variant.
Coding change: c.67A>G on transcript NM_000815.5 (MANE Select); coding-DNA position 67, A replaced by G.
Protein change: p.Arg23Gly; replaces arginine 23 with glycine.
Molecular consequence: missense variant.
Genome position (GRCh38, 1-based): chr1:2,019,490, A>G. VCF-style: chr1-2019490-A-G. GRCh37 (hg19) VCF-style: chr1-1950929-A-G.
Other names: short protein forms R23G.
Identifiers: ClinVar variation 2721637 (VCV002721637.4), dbSNP rs1658715621, ClinGen allele CA337953926.

ClinVar aggregate classification (germline): Uncertain significance. Review status: criteria provided, multiple submitters, no conflicts (2 of 4 stars). 2 submissions from 2 submitters: Uncertain significance (2). Last evaluated 2024-10-23.

Conditions:
Idiopathic generalized epilepsy. Also called: EIG; Generalised epilepsy. Identifiers: MedGen C0270850, MONDO:0005579, OMIM 600669.

Allele frequency attached by ClinVar (database versions not stated): gnomAD exomes below 0.00001; TOPMed below 0.00001.

Submissions (2):

ARUP Laboratories, Molecular Genetics and Genomics, ARUP Laboratories
Classification: Uncertain significance. Last evaluated: 2024-10-23. Review status: criteria provided, single submitter. Criteria: ARUP Molecular Germline Variant Investigation Process 2024. Collection method: clinical testing. Allele origin: germline.
Comment: The GABRD c.67A>G;p.Arg23Gly variant (rs1658715621), to our knowledge, is not reported in the medical literature but is reported in ClinVar (Variation ID: 2721637). This variant is also absent from the Genome Aggregation Database (v2.1.1), indicating it is not a common polymorphism. Computational analyses are uncertain whether this variant is neutral or deleterious (REVEL: 0.354). Due to limited information, the clinical significance of this variant is uncertain at this time.

Labcorp Genetics (formerly Invitae), Labcorp
Classification: Uncertain significance for Idiopathic generalized epilepsy. Last evaluated: 2023-02-04. Review status: criteria provided, single submitter. Criteria: Invitae Variant Classification Sherloc (09022015). Collection method: clinical testing. Allele origin: germline.
Comment: In summary, the available evidence is currently insufficient to determine the role of this variant in disease. Therefore, it has been classified as a Variant of Uncertain Significance. Algorithms developed to predict the effect of missense changes on protein structure and function are either unavailable or do not agree on the potential impact of this missense change (SIFT: "Tolerated"; PolyPhen-2: "Probably Damaging"; Align-GVGD: "Class C0"). This variant has not been reported in the literature in individuals affected with GABRD-related conditions. The frequency data for this variant in the population databases is considered unreliable, as metrics indicate insufficient coverage at this position in the gnomAD database. This sequence change replaces arginine, which is basic and polar, with glycine, which is neutral and non-polar, at codon 23 of the GABRD protein (p.Arg23Gly).